The following is an entry in ClinVar:

NM_007294.4(BRCA1):c.1064del (p.Lys355fs)

Gene: BRCA1 (BRCA1 DNA repair associated; minus strand). Cytogenetic location: 17q21.31.
Variant type: Deletion.
Coding change: c.1064del on transcript NM_007294.4 (MANE Select); coding-DNA position 1064, one base deleted (A; older notation c.1064delA).
Protein change: p.Lys355fs; shifts the reading frame from lysine 355.
Molecular consequence: frameshift variant. On other transcripts: intron variant (137).
Genome position (GRCh38, 1-based): chr17:43,094,467, T deleted on the plus strand (A on the coding strand, the reverse complement: BRCA1 is on the minus strand); the first of 2 consecutive T bases (chr17:43,094,467-43,094,468); deleting either gives the same sequence. VCF-style (leftmost placement, unchanged base first): chr17-43094466-CT-C. GRCh37 (hg19) VCF-style: chr17-41246483-CT-C.
Other names: c.1064del, p.Lys355fs (NM_001407605.1, NM_001407616.1, NM_001407617.1 and 30 more transcripts); c.1061del, p.Lys354fs (NM_001407610.1, NM_001407611.1, NM_001407612.1 and 22 more transcripts); c.1055del, p.Lys352fs (NM_001407646.1, NM_001407647.1); c.941del, p.Lys314fs (NM_001407648.1, NM_001407664.1, NM_001407665.1 and 19 more transcripts); c.938del, p.Lys313fs (NM_001407649.1, NM_001407670.1, NM_001407671.1 and 11 more transcripts); c.986del, p.Lys329fs (NM_001407653.1, NM_001407654.1, NM_001407655.1 and 4 more transcripts); c.983del, p.Lys328fs (NM_001407659.1, NM_001407660.1, NM_001407661.1 and 1 more transcripts); c.797del, p.Lys266fs (NM_001407934.1, NM_001407936.1, NM_001407930.1 and 2 more transcripts); and 40 more; short protein forms K187fs, K227fs, K228fs, K243fs, K244fs, K266fs, K267fs, K284fs.
Identifiers: ClinVar variation 2674276 (VCV002674276.4), dbSNP rs2552224333, ClinGen allele CA2695199937.

ClinVar aggregate classification (germline): Pathogenic. Review status: criteria provided, multiple submitters, no conflicts (2 of 4 stars). 2 submissions from 2 submitters: Pathogenic (2). Last evaluated 2023-07-10.

Conditions:
Breast-ovarian cancer, familial, susceptibility to, 1 (BROVCA1). Also called: BRCA1 Hereditary Breast and Ovarian Cancer; OVARIAN CANCER, SUSCEPTIBILITY TO. Identifiers: Orphanet 145, MedGen C2676676, MONDO:0011450, OMIM 604370. Disease mechanism: loss of function.
Hereditary breast ovarian cancer syndrome. Also called: Hereditary breast and ovarian cancer syndrome (HBOC); Breast and ovarian cancer; Hereditary breast and/or ovarian cancer syndrome; Hereditary breast and ovarian cancer syndrome; BRCA1- and BRCA2-Associated Hereditary Breast and Ovarian Cancer; Hereditary breast and ovarian cancer. Identifiers: Orphanet 145, MedGen C0677776, MeSH D061325, MONDO:0003582. Disease mechanism: loss of function.

Submissions (2):

Myriad Genetics, Inc.
Classification: Pathogenic for Breast-ovarian cancer, familial, susceptibility to, 1. Last evaluated: 2023-07-10. Review status: criteria provided, single submitter. Criteria: Myriad Autosomal Dominant, Autosomal Recessive and X-Linked Classification Criteria (2023). Collection method: clinical testing. Allele origin: unknown.
Comment: This variant is considered pathogenic. This variant creates a frameshift predicted to result in premature protein truncation.

Labcorp Genetics (formerly Invitae), Labcorp
Classification: Pathogenic for Hereditary breast ovarian cancer syndrome. Last evaluated: 2023-04-10. Review status: criteria provided, single submitter. Criteria: Invitae Variant Classification Sherloc (09022015). Collection method: clinical testing. Allele origin: germline.
Comment: For these reasons, this variant has been classified as Pathogenic. This variant has not been reported in the literature in individuals affected with BRCA1-related conditions. This variant is not present in population databases (gnomAD no frequency). This sequence change creates a premature translational stop signal (p.Lys355Serfs*19) in the BRCA1 gene. It is expected to result in an absent or disrupted protein product. Loss-of-function variants in BRCA1 are known to be pathogenic (PMID: 20104584).

Literature cited by the submitters: PubMed 20104584 (cited by Labcorp Genetics (formerly Invitae), Labcorp).